The following is an entry in ClinVar:

NM_020693.4(DSCAML1):c.2378C>T (p.Ser793Phe)

Gene: DSCAML1 (DS cell adhesion molecule like 1; minus strand). Cytogenetic location: 11q23.3.
Variant type: single nucleotide variant.
Coding change: c.2378C>T on transcript NM_020693.4 (MANE Select); coding-DNA position 2378, C replaced by T.
Protein change: p.Ser793Phe; replaces serine 793 with phenylalanine.
Molecular consequence: missense variant.
Genome position (GRCh38, 1-based): chr11:117,482,144, G>A on the plus strand (C>T on the coding strand, the complement: DSCAML1 is on the minus strand). VCF-style: chr11-117482144-G-A. GRCh37 (hg19) VCF-style: chr11-117352859-G-A.
Other names: c.2378C>T, p.Ser793Phe (NM_001367904.1); short protein forms S793F.
Identifiers: ClinVar variation 3607669 (VCV003607669.2).

ClinVar aggregate classification (germline): Uncertain significance (1 of 4 stars; one submission).

gnomAD v4.1: 4 of 1,614,152 alleles (0.00025%); highest among the groups gnomAD compares: Non-Finnish European, 0.00025%; no homozygotes.

Submission:

Labcorp Genetics (formerly Invitae), Labcorp
Classification: Uncertain significance. Last evaluated: 2024-12-24. Review status: criteria provided, single submitter. Criteria: Invitae Variant Classification Sherloc (09022015). Collection method: clinical testing. Allele origin: germline.
Comment: This sequence change replaces serine, which is neutral and polar, with phenylalanine, which is neutral and non-polar, at codon 853 of the DSCAML1 protein (p.Ser853Phe). This variant is present in population databases (no rsID available, gnomAD 0.0009%). This variant has not been reported in the literature in individuals affected with DSCAML1-related conditions. An algorithm developed to predict the effect of missense changes on protein structure and function (PolyPhen-2) suggests that this variant is likely to be disruptive. In summary, the available evidence is currently insufficient to determine the role of this variant in disease. Therefore, it has been classified as a Variant of Uncertain Significance.